The following is an entry in ClinVar:

NM_015915.5(ATL1):c.898C>A (p.Leu300Met)

Gene: ATL1 (atlastin GTPase 1; plus strand). Cytogenetic location: 14q22.1.
Variant type: single nucleotide variant.
Coding change: c.898C>A on transcript NM_015915.5 (MANE Select); coding-DNA position 898, C replaced by A.
Protein change: p.Leu300Met; replaces leucine 300 with methionine.
Molecular consequence: missense variant.
Genome position (GRCh38, 1-based): chr14:50,620,634, C>A. VCF-style: chr14-50620634-C-A. GRCh37 (hg19) VCF-style: chr14-51087352-C-A.
Other names: c.898C>A, p.Leu300Met (NM_001127713.1, NM_181598.4); short protein forms L300M.
Identifiers: ClinVar variation 1959001 (VCV001959001.8), dbSNP rs775416743, ClinGen allele CA7180362.

ClinVar aggregate classification (germline): Uncertain significance. Review status: criteria provided, multiple submitters, no conflicts (2 of 4 stars). 3 submissions from 3 submitters: Uncertain significance (3). Last evaluated 2026-10-15.

Conditions:
Inborn genetic diseases. Identifiers: MedGen C0950123, MeSH D030342.
Hereditary spastic paraplegia 3A (SPG3A). Also called: SPASTIC PARAPLEGIA 3, AUTOSOMAL DOMINANT; FAMILIAL SPASTIC PARAPLEGIA, AUTOSOMAL DOMINANT, 1; SPG3; STRUMPELL DISEASE; Spastic Paraplegia 3A; Spastic paraplegia 3A, autosomal dominant. Identifiers: Orphanet 100984, MedGen C2931355, MONDO:0008437, OMIM 182600.

Allele frequency attached by ClinVar (database versions not stated): gnomAD exomes below 0.00001; TOPMed below 0.00001; ExAC 0.00001.
gnomAD v4.1: 3 of 1,613,368 alleles (0.00019%); highest among the groups gnomAD compares: African/African-American, 0.0013%; no homozygotes.

Submissions (3):

GeneDx
Classification: Uncertain significance. Last evaluated: 2026-10-15. Review status: criteria provided, single submitter. Criteria: GeneDx Variant Classification Process June 2021. Collection method: clinical testing. Allele origin: germline.
Comment: Not observed at significant frequency in large population cohorts (gnomAD); In silico analysis suggests that this missense variant does not alter protein structure/function; Has not been previously published as pathogenic or benign to our knowledge; This variant is associated with the following publications: (PMID: 23334294)

Ambry Genetics
Classification: Uncertain significance for Inborn genetic diseases. Last evaluated: 2025-04-19. Review status: criteria provided, single submitter. Criteria: Ambry Variant Classification Scheme 2023. Collection method: clinical testing. Allele origin: germline.

Labcorp Genetics (formerly Invitae), Labcorp
Classification: Uncertain significance for Hereditary spastic paraplegia 3A. Last evaluated: 2022-03-23. Review status: criteria provided, single submitter. Criteria: Invitae Variant Classification Sherloc (09022015). Collection method: clinical testing. Allele origin: germline.
Comment: In summary, the available evidence is currently insufficient to determine the role of this variant in disease. Therefore, it has been classified as a Variant of Uncertain Significance. Advanced modeling of protein sequence and biophysical properties (such as structural, functional, and spatial information, amino acid conservation, physicochemical variation, residue mobility, and thermodynamic stability) performed at Invitae indicates that this missense variant is not expected to disrupt ATL1 protein function. This variant has not been reported in the literature in individuals affected with ATL1-related conditions. This variant is present in population databases (rs775416743, gnomAD 0.007%). This sequence change replaces leucine, which is neutral and non-polar, with methionine, which is neutral and non-polar, at codon 300 of the ATL1 protein (p.Leu300Met).